The following is an entry in ClinVar:

ClinVar aggregate classification (germline): Pathogenic (1 of 4 stars; one submission).

Conditions:
Meier-Gorlin syndrome 4 (MGORS4). Identifiers: Orphanet 2554, MedGen C3151120, MONDO:0013431, OMIM 613804.

Submission:

Bicknell laboratory, University of Otago
Classification: Pathogenic for Meier-Gorlin syndrome 4. Review status: criteria provided, single submitter. Criteria: ACMG Guidelines, 2015. Collection method: research. Allele origin: inherited. Affected: yes.
Comment: Occurred as compound het with c.1276-24A>G

Literature cited by the submitters: PubMed 33338304.

NM_030928.4(CDT1):c.1078_1080del (p.Ala360del)

Gene: CDT1 (chromatin licensing and DNA replication factor 1; plus strand). Cytogenetic location: 16q24.3.
Variant type: Deletion.
Coding change: c.1078_1080del on transcript NM_030928.4 (MANE Select); coding-DNA positions 1078 to 1080, 3 bases deleted (GCT; older notation c.1078_1080delGCT).
Protein change: p.Ala360del; deletes alanine 360.
Molecular consequence: inframe deletion.
Genome position (GRCh38, 1-based): chr16:88,806,630-88,806,632, GCT deleted; deleting any 3 consecutive bases within chr16:88,806,628-88,806,632 gives the same sequence; the c. name uses the placement nearest the transcript's 3' end. VCF-style (leftmost placement, unchanged base first): chr16-88806627-ACTG-A. GRCh37 (hg19) VCF-style: chr16-88873035-ACTG-A.
Other names: short protein forms A360del.
Identifiers: ClinVar variation 1173055 (VCV001173055.2), dbSNP rs1567502140, ClinGen allele CA919766630.
Genomic context (GRCh38, chr16:88,806,627, plus strand): 5'-GAAGTACCCGACATCGAGCCGGCCGCGCTGCCCCAGCCACCCGCCACGGAGAAGCTCACC[ACTG>A]CTCAGGAGGTGCTGGCCCGGGCCCGCAACCTGATTTCACCCAGGGTGAGACTGCGAGGCT-3'